The following is an entry in ClinVar:

NM_203486.3(DLL3):c.1416C>A (p.Gly472=)

Gene: DLL3 (delta like canonical Notch ligand 3; plus strand). Cytogenetic location: 19q13.2.
Variant type: single nucleotide variant.
Coding change: c.1416C>A on transcript NM_203486.3 (MANE Select); coding-DNA position 1416, C replaced by A.
Protein change: p.Gly472=; no amino-acid change (glycine 472 retained).
Molecular consequence: synonymous variant.
Genome position (GRCh38, 1-based): chr19:39,507,361, C>A. VCF-style: chr19-39507361-C-A. GRCh37 (hg19) VCF-style: chr19-39998001-C-A.
Other names: c.1416C>A, p.Gly472= (NM_016941.4).
Identifiers: ClinVar variation 1167975 (VCV001167975.12), dbSNP rs187836169, ClinGen allele CA9432435.

ClinVar aggregate classification (germline): Benign/Likely benign. Review status: criteria provided, multiple submitters, no conflicts (2 of 4 stars). 3 submissions from 3 submitters: Benign (1); Likely benign (2). Last evaluated 2026-06-01.

Allele frequency attached by ClinVar (database versions not stated): gnomAD 0.00009; 1000 Genomes Project 30x 0.00016; TOPMed 0.00017; gnomAD exomes 0.00028; ExAC 0.00056.
gnomAD v4.1: 67 of 1,572,076 alleles (0.0043%); highest among the groups gnomAD compares: East Asian, 0.15%; no homozygotes.

Submissions (3):

CeGaT Center for Human Genetics Tuebingen
Classification: Likely benign. Last evaluated: 2026-06-01. Review status: criteria provided, single submitter. Criteria: CeGaT Center For Human Genetics Tuebingen Variant Classification Criteria Version 2. Collection method: clinical testing. Allele origin: germline. Affected: yes. Observed: 1 variant allele.
Comment: DLL3: BP4, BP7

Labcorp Genetics (formerly Invitae), Labcorp
Classification: Benign. Last evaluated: 2024-10-20. Review status: criteria provided, single submitter. Criteria: Invitae Variant Classification Sherloc (09022015). Collection method: clinical testing. Allele origin: germline.

Blueprint Genetics
Classification: Likely benign. Last evaluated: 2023-09-01. Review status: criteria provided, single submitter. Criteria: ACMG Guidelines, 2015. Collection method: clinical testing. Allele origin: germline.